The following is an entry in ClinVar:

NM_001079872.2(CUL4B):c.1044T>C (p.Ser348=)

Gene: CUL4B (cullin 4B; minus strand). Cytogenetic location: Xq24.
Variant type: single nucleotide variant.
Coding change: c.1044T>C on transcript NM_001079872.2 (MANE Select); coding-DNA position 1044, T replaced by C.
Protein change: p.Ser348=; no amino-acid change (serine 348 retained).
Molecular consequence: synonymous variant.
Genome position (GRCh38, 1-based): chrX:120,544,520, A>G on the plus strand (T>C on the coding strand, the complement: CUL4B is on the minus strand). VCF-style: chrX-120544520-A-G. GRCh37 (hg19) VCF-style: chrX-119678375-A-G.
Other names: c.1059T>C, p.Ser353= (NM_001330624.2); c.510T>C, p.Ser170= (NM_001369145.1); c.1098T>C, p.Ser366= (NM_003588.4); c.1098T>C (NM_003588.3).
Identifiers: ClinVar variation 1912493 (VCV001912493.6), dbSNP rs1924202904, ClinGen allele CA518226568.
Genomic context (GRCh38, chrX:120,544,520, plus strand): 5'-TAGGTGTAGTAGTTAACTTACTTGCAAATCAGACAGCATGCTTAAAAGGCTTCGAAGTAA[A>G]CTTCTATCAATTGCTTCACCATTCCTTTCCCTCTCAATCAAGAGAAGAATGCCATCAATT-3'
Protein context (NP_001073341.1, residues 338-358): RERNGEAIDR[Ser348=]LLRSLLSMLS

ClinVar aggregate classification (germline): Likely benign. Review status: criteria provided, single submitter (1 of 4 stars). 2 submissions from 2 submitters: Likely benign (1). 1 of the submissions does not count toward it. Last evaluated 2024-10-17.

Conditions:
CUL4B-related disorder. Also called: CUL4B-related condition.
X-linked intellectual disability Cabezas type (MRXSC). Also called: CABEZAS SYNDROME; MENTAL RETARDATION, X-LINKED, SYNDROMIC 15; Intellectual developmental disorder, X-linked syndromic, Cabezas type. Identifiers: Orphanet 85289, Orphanet 85293, MedGen C1845861, MONDO:0010306, OMIM 300354.

Allele frequency attached by ClinVar (database versions not stated): TOPMed 0.00001.
gnomAD v4.1: 1 of 1,211,251 alleles (0.000083%); highest among the groups gnomAD compares: Admixed American, 0.0022%; no homozygotes.

Submissions (2):

Labcorp Genetics (formerly Invitae), Labcorp
Classification: Likely benign for X-linked intellectual disability Cabezas type. Last evaluated: 2024-10-17. Review status: criteria provided, single submitter. Criteria: Invitae Variant Classification Sherloc (09022015). Collection method: clinical testing. Allele origin: germline.

PreventionGenetics, part of Exact Sciences
Classification: Likely benign for CUL4B-related condition. Last evaluated: 2024-08-24. Review status: no assertion criteria provided. Collection method: clinical testing. Allele origin: germline. Not counted in ClinVar's aggregate classification.
Comment: This variant is classified as likely benign based on ACMG/AMP sequence variant interpretation guidelines (Richards et al. 2015 PMID: 25741868, with internal and published modifications).